The following is an entry in ClinVar:

NM_001042492.3(NF1):c.2077A>C (p.Met693Leu)

Gene: NF1 (neurofibromin 1; plus strand). Cytogenetic location: 17q11.2.
Variant type: single nucleotide variant.
Coding change: c.2077A>C on transcript NM_001042492.3 (MANE Select); coding-DNA position 2077, A replaced by C.
Protein change: p.Met693Leu; replaces methionine 693 with leucine.
Molecular consequence: missense variant.
Genome position (GRCh38, 1-based): chr17:31,226,510, A>C. VCF-style: chr17-31226510-A-C. GRCh37 (hg19) VCF-style: chr17-29553528-A-C.
Other names: c.2077A>C, p.Met693Leu (NM_000267.4); short protein forms M693L.
Identifiers: ClinVar variation 1418209 (VCV001418209.10), dbSNP rs1555613794, ClinGen allele CA398982179.

ClinVar aggregate classification (germline): Conflicting classifications of pathogenicity. Review status: criteria provided, conflicting classifications (1 of 4 stars). 3 submissions from 3 submitters: Uncertain significance (2); Benign (1). Last evaluated 2025-12-08.

Conditions:
Neurofibromatosis, type 1 (NF1). Also called: NEUROFIBROMATOSIS, TYPE I, SOMATIC; VON RECKLINGHAUSEN DISEASE; Peripheral type neurofibromatosis; Neurofibromatosis, type I. Identifiers: Orphanet 636, MedGen C0027831, MONDO:0018975, OMIM 162200. Disease mechanism: loss of function.

Submissions (3):

Labcorp Genetics (formerly Invitae), Labcorp
Classification: Benign for Neurofibromatosis, type 1. Last evaluated: 2025-12-08. Review status: criteria provided, single submitter. Criteria: Invitae Variant Classification Sherloc (09022015). Collection method: clinical testing. Allele origin: germline.

Blueprint Genetics
Classification: Uncertain significance. Last evaluated: 2024-07-25. Review status: criteria provided, single submitter. Criteria: ACMG Guidelines, 2015. Collection method: clinical testing. Allele origin: germline.

GeneDx
Classification: Uncertain significance. Last evaluated: 2022-03-24. Review status: criteria provided, single submitter. Criteria: GeneDx Variant Classification Process June 2021. Collection method: clinical testing. Allele origin: germline. Affected: yes.
Comment: Not observed at significant frequency in large population cohorts (gnomAD); In silico analysis supports that this missense variant does not alter protein structure/function; Has not been previously published as pathogenic or benign to our knowledge; This variant is associated with the following publications: (PMID: 25486365)